The following is an entry in ClinVar:

ClinVar aggregate classification (germline): Pathogenic (1 of 4 stars; one submission).

gnomAD v4.1: 4 of 1,614,124 alleles (0.00025%); highest among the groups gnomAD compares: East Asian, 0.0045%; no homozygotes.

Submission:

Labcorp Genetics (formerly Invitae), Labcorp
Classification: Pathogenic. Last evaluated: 2024-05-19. Review status: criteria provided, single submitter. Criteria: Invitae Variant Classification Sherloc (09022015). Collection method: clinical testing. Allele origin: germline.
Comment: This sequence change creates a premature translational stop signal (p.Arg714*) in the C5 gene. It is expected to result in an absent or disrupted protein product. Loss-of-function variants in C5 are known to be pathogenic (PMID: 7730648, 19414197, 27026170). This variant is not present in population databases (gnomAD no frequency). This variant has not been reported in the literature in individuals affected with C5-related conditions. Algorithms developed to predict the effect of sequence changes on RNA splicing suggest that this variant may disrupt the consensus splice site. For these reasons, this variant has been classified as Pathogenic.

Literature cited by the submitters: PubMed 7730648; PubMed 19414197; PubMed 27026170.

NM_001735.3(C5):c.2140C>T (p.Arg714Ter)

Gene: C5 (complement C5; minus strand). Cytogenetic location: 9q33.2.
Variant type: single nucleotide variant.
Coding change: c.2140C>T on transcript NM_001735.3 (MANE Select); coding-DNA position 2140, C replaced by T.
Protein change: p.Arg714Ter; replaces arginine 714 with a stop codon.
Molecular consequence: nonsense.
Genome position (GRCh38, 1-based): chr9:121,013,990, G>A on the plus strand (C>T on the coding strand, the complement: C5 is on the minus strand). VCF-style: chr9-121013990-G-A. GRCh37 (hg19) VCF-style: chr9-123776268-G-A.
Other names: c.2158C>T, p.Arg720Ter (NM_001317163.2); c.2140C>T, p.Arg714Ter (NM_001317164.2); short protein forms R720*, R714*.
Identifiers: ClinVar variation 3677715 (VCV003677715.2).